The following is an entry in ClinVar:

NM_017777.4(MKS1):c.1273+1G>C

Gene: MKS1 (MKS transition zone complex subunit 1; minus strand). Cytogenetic location: 17q22.
Variant type: single nucleotide variant.
Coding change: c.1273+1G>C on transcript NM_017777.4 (MANE Select); the canonical splice donor site of the intron after coding-DNA position 1273, G replaced by C.
Molecular consequence: splice donor variant.
Genome position (GRCh38, 1-based): chr17:58,207,893, C>G on the plus strand (G>C on the coding strand, the complement: MKS1 is on the minus strand). VCF-style: chr17-58207893-C-G. GRCh37 (hg19) VCF-style: chr17-56285254-C-G.
Other names: c.664+1G>C (NM_001321268.2); c.1273+1G>C (NM_001330397.2, NM_001321269.2, NM_001411113.1).
Identifiers: ClinVar variation 1066216 (VCV001066216.12), dbSNP rs933577333, ClinGen allele CA292008596.

ClinVar aggregate classification (germline): Pathogenic/Likely pathogenic. Review status: criteria provided, multiple submitters, no conflicts (2 of 4 stars). 6 submissions from 6 submitters: Pathogenic (1); Likely pathogenic (4). 1 of the submissions does not count toward it. Last evaluated 2024-08-06.

Conditions:
Meckel-Gruber syndrome. Also called: Dysencephalia splachnocystica; GRUBER SYNDROME; DYSENCEPHALIA SPLANCHNOCYSTICA. Identifiers: Orphanet 564, MedGen C0265215, MONDO:0018921.
Joubert syndrome. Also called: JOUBERT-BOLTSHAUSER SYNDROME; Familial aplasia of the vermis. Identifiers: Orphanet 475, MedGen C5979921, MONDO:0018772.
Meckel syndrome, type 1 (MKS1). Also called: MECKEL-GRUBER SYNDROME, TYPE 1. Identifiers: Orphanet 564, MedGen C3714506, MONDO:0009571, OMIM 249000.
Bardet-Biedl syndrome 13 (BBS13). Identifiers: Orphanet 110, MedGen C2673873, MONDO:0014441, OMIM 615990.
MKS1-related disorder. Also called: MKS1-related disorders; MKS1-related condition. Identifiers: MedGen CN239382.
Joubert syndrome 28 (JBTS28). Identifiers: MedGen C4310705, MONDO:0014928, OMIM 617121.

Allele frequency attached by ClinVar (database versions not stated): gnomAD exomes below 0.00001; TOPMed 0.00001.
gnomAD v4.1: 3 of 1,613,452 alleles (0.00019%); highest among the groups gnomAD compares: Non-Finnish European, 0.00025%; no homozygotes.

Submissions (6):

Blueprint Genetics
Classification: Likely pathogenic for MKS1-related disorders. Last evaluated: 2024-08-06. Review status: criteria provided, single submitter. Criteria: ACMG Guidelines, 2015. Collection method: clinical testing. Allele origin: germline. Affected: yes. Observed: 3 variant alleles.

Baylor Genetics
Classification: Likely pathogenic for Bardet-Biedl syndrome 13. Last evaluated: 2023-12-17. Review status: criteria provided, single submitter. Criteria: ACMG Guidelines, 2015. Collection method: clinical testing. Allele origin: unknown.

Labcorp Genetics (formerly Invitae), Labcorp
Classification: Likely pathogenic for Joubert syndrome; Meckel-Gruber syndrome. Last evaluated: 2023-07-28. Review status: criteria provided, single submitter. Criteria: Invitae Variant Classification Sherloc (09022015). Collection method: clinical testing. Allele origin: germline.
Comment: In summary, the currently available evidence indicates that the variant is pathogenic, but additional data are needed to prove that conclusively. Therefore, this variant has been classified as Likely Pathogenic. Algorithms developed to predict the effect of sequence changes on RNA splicing suggest that this variant may disrupt the consensus splice site. ClinVar contains an entry for this variant (Variation ID: 1066216). This variant has not been reported in the literature in individuals affected with MKS1-related conditions. This variant is not present in population databases (gnomAD no frequency). This sequence change affects a donor splice site in intron 14 of the MKS1 gene. It is expected to disrupt RNA splicing. Variants that disrupt the donor or acceptor splice site typically lead to a loss of protein function (PMID: 16199547), and loss-of-function variants in MKS1 are known to be pathogenic (PMID: 19466712, 24886560, 26490104).

Broad Center for Mendelian Genomics, Broad Institute of MIT and Harvard
Classification: Pathogenic for Meckel syndrome, type 1. Last evaluated: 2023-05-02. Review status: criteria provided, single submitter. Criteria: ACMG Guidelines, 2015. Collection method: curation. Allele origin: germline. Inheritance: Autosomal recessive inheritance.
Comment: Trio exome analysis revealed this variant was in trans with a pathogenic variant (ClinVar Variation ID: 217677). The c.1273+1G>C variant in MKS1 has not been previously reported in individuals with Meckel syndrome 1. This variant has been identified in 0.0008% (1/125568) chromosomes by TopMed Bravo (dbSNP ID: rs933577333). Although this variant has been seen in the general population in a heterozygous state, its frequency is low enough to be consistent with a recessive carrier frequency. This variant has also been reported in ClinVar (Variation ID: 1066216) and has been interpreted as likely pathogenic by Invitae and pathogenic by the Boston Children‚Äôs Hospital Gene Discovery Core-Manton Center. This variant is located in the 5' splice region. Computational tools predict a splicing impact, though this information is not predictive enough to determine pathogenicity. Loss of function of the MKS1 gene is an established disease mechanism in autosomal recessive Meckel syndrome. In summary, this variant meets criteria to be classified as pathogenic for autosomal recessive Meckel syndrome 1. ACMG/AMP Criteria applied: PVS1, PM2_Supporting, PM3 (Richards 2015).

Fulgent Genetics
Classification: Likely pathogenic for Meckel syndrome, type 1; Bardet-Biedl syndrome 13; Joubert syndrome 28. Last evaluated: 2022-01-11. Review status: criteria provided, single submitter. Criteria: ACMG Guidelines, 2015. Collection method: clinical testing. Allele origin: unknown.

Gene Discovery Core-Manton Center, Boston Children's Hospital
Classification: Pathogenic for Joubert syndrome 28. Last evaluated: 2020-02-14. Review status: no assertion criteria provided. Collection method: research. Allele origin: germline. Affected: yes. Not counted in ClinVar's aggregate classification.
Comment: This variant is interpreted as Pathogenic for Joubert syndrome; Autosomal Recessive. PVS1- Null variant (nonsense, frameshift, canonical splice sites, initiation codon, single or multiexon deletion) in a gene where LOF is a known mechanism of disease. PM2- Absent from controls (gnomad). PM3- For recessive disorders, detected in trans with a pathogenic variant. PP3- Multiple lines of computational evidence support a deleterious effect on the gene or gene product (conservation, evolutionary, splicing impact, etc.)

Literature cited by the submitters: PubMed 16199547 (cited by Labcorp Genetics (formerly Invitae), Labcorp); PubMed 19466712 (cited by Labcorp Genetics (formerly Invitae), Labcorp); PubMed 24886560 (cited by Labcorp Genetics (formerly Invitae), Labcorp); PubMed 26490104 (cited by Labcorp Genetics (formerly Invitae), Labcorp).